The following is an entry in ClinVar:

NM_000434.4(NEU1):c.473G>T (p.Cys158Phe)

Gene: NEU1 (neuraminidase 1; minus strand). Cytogenetic location: 6p21.33.
Variant type: single nucleotide variant.
Coding change: c.473G>T on transcript NM_000434.4 (MANE Select); coding-DNA position 473, G replaced by T.
Protein change: p.Cys158Phe; replaces cysteine 158 with phenylalanine.
Molecular consequence: missense variant.
Genome position (GRCh38, 1-based): chr6:31,861,330, C>A on the plus strand (G>T on the coding strand, the complement: NEU1 is on the minus strand). VCF-style: chr6-31861330-C-A. GRCh37 (hg19) VCF-style: chr6-31829107-C-A.
Other names: short protein forms C158F.
Identifiers: ClinVar variation 4711714 (VCV004711714.1).

ClinVar aggregate classification (germline): Uncertain significance (1 of 4 stars; one submission).

Submission:

Labcorp Genetics (formerly Invitae), Labcorp
Classification: Uncertain significance. Last evaluated: 2025-07-27. Review status: criteria provided, single submitter. Criteria: Invitae Variant Classification Sherloc (09022015). Collection method: clinical testing. Allele origin: germline.
Comment: This sequence change replaces cysteine, which is neutral and slightly polar, with phenylalanine, which is neutral and non-polar, at codon 158 of the NEU1 protein (p.Cys158Phe). This variant is not present in population databases (gnomAD no frequency). This variant has not been reported in the literature in individuals affected with NEU1-related conditions. Invitae Evidence Modeling of protein sequence and biophysical properties (such as structural, functional, and spatial information, amino acid conservation, physicochemical variation, residue mobility, and thermodynamic stability) indicates that this missense variant is not expected to disrupt NEU1 protein function with a negative predictive value of 80%. In summary, the available evidence is currently insufficient to determine the role of this variant in disease. Therefore, it has been classified as a Variant of Uncertain Significance.